The following is an entry in ClinVar:

NM_001458.5(FLNC):c.949C>A (p.Pro317Thr)

Gene: FLNC (filamin C; plus strand). Cytogenetic location: 7q32.1.
Variant type: single nucleotide variant.
Coding change: c.949C>A on transcript NM_001458.5 (MANE Select); coding-DNA position 949, C replaced by A.
Protein change: p.Pro317Thr; replaces proline 317 with threonine.
Molecular consequence: missense variant.
Genome position (GRCh38, 1-based): chr7:128,837,735, C>A. VCF-style: chr7-128837735-C-A. GRCh37 (hg19) VCF-style: chr7-128477789-C-A.
Other names: c.949C>A, p.Pro317Thr (NM_001127487.2); short protein forms P317T.
Identifiers: ClinVar variation 579143 (VCV000579143.9), dbSNP rs1562992145, ClinGen allele CA369223231.
Genomic context (GRCh38, chr7:128,837,735, plus strand): 5'-CACTTCACCGTGCAGACGGTGGACGCGGGCGTGGGCGAGGTGCTGGTCTACATCGAGGAC[C>A]CTGAAGGCCACACCGAGGAGGTATGCAGAGGCCGCTGGGGACAGAGGGATTCACTTGGGA-3'
Protein context (NP_001449.3, residues 307-327): VGEVLVYIED[Pro317Thr]EGHTEEAKVV

ClinVar aggregate classification (germline): Uncertain significance (1 of 4 stars; one submission).

Conditions:
Hypertrophic cardiomyopathy 26. Also called: Cardiomyopathy, familial hypertrophic, 26. Identifiers: Orphanet 75249, MedGen C4310749, MONDO:0014883, OMIM 617047.
Myofibrillar myopathy 5. Also called: FILAMINOPATHY, AUTOSOMAL DOMINANT; Filaminopathy (type). Identifiers: Orphanet 171445, MedGen C1836050, MONDO:0012289, OMIM 609524.
Distal myopathy with posterior leg and anterior hand involvement. Also called: WILLIAMS DISTAL MYOPATHY. Identifiers: Orphanet 63273, MedGen C3279722, MONDO:0013550, OMIM 614065.

Submission:

Labcorp Genetics (formerly Invitae), Labcorp
Classification: Uncertain significance for Distal myopathy with posterior leg and anterior hand involvement; Myofibrillar myopathy 5; Hypertrophic cardiomyopathy 26. Last evaluated: 2018-06-11. Review status: criteria provided, single submitter. Criteria: Invitae Variant Classification Sherloc (09022015). Collection method: clinical testing. Allele origin: germline.
Comment: In summary, the available evidence is currently insufficient to determine the role of this variant in disease. Therefore, it has been classified as a Variant of Uncertain Significance. Algorithms developed to predict the effect of missense changes on protein structure and function are either unavailable or do not agree on the potential impact of this missense change (SIFT: "Deleterious"; PolyPhen-2: "Possibly Damaging"; Align-GVGD: "Class C0"). This variant has not been reported in the literature in individuals with FLNC-related disease. This variant is not present in population databases (ExAC no frequency). This sequence change replaces proline with threonine at codon 317 of the FLNC protein (p.Pro317Thr). The proline residue is moderately conserved and there is a small physicochemical difference between proline and threonine.